The following is an entry in ClinVar:

NM_001365951.3(KIF1B):c.1772G>C (p.Gly591Ala)

Gene: KIF1B (kinesin family member 1B; plus strand). Cytogenetic location: 1p36.22.
Variant type: single nucleotide variant.
Coding change: c.1772G>C on transcript NM_001365951.3 (MANE Select); coding-DNA position 1772, G replaced by C.
Protein change: p.Gly591Ala; replaces glycine 591 with alanine.
Molecular consequence: missense variant.
Genome position (GRCh38, 1-based): chr1:10,295,761, G>C. VCF-style: chr1-10295761-G-C. GRCh37 (hg19) VCF-style: chr1-10355819-G-C.
Other names: c.1772G>C, p.Gly591Ala (NM_001365952.1); c.1634G>C, p.Gly545Ala (NM_001365953.1, NM_015074.3, NM_183416.4); short protein forms G545A, G591A.
Identifiers: ClinVar variation 2448079 (VCV002448079.2), dbSNP rs1650231445, ClinGen allele CA338315243.

ClinVar aggregate classification (germline): Uncertain significance (1 of 4 stars; one submission).

gnomAD v4.1: 2 of 1,612,134 alleles (0.00012%); highest among the groups gnomAD compares: Non-Finnish European, 0.00017%; no homozygotes.

Submission:

Ambry Genetics
Classification: Uncertain significance. Last evaluated: 2023-01-11. Review status: criteria provided, single submitter. Criteria: Ambry Variant Classification Scheme 2023. Collection method: clinical testing. Allele origin: germline.
Comment: The p.G545A variant (also known as c.1634G>C), located in coding exon 16 of the KIF1B gene, results from a G to C substitution at nucleotide position 1634. The glycine at codon 545 is replaced by alanine, an amino acid with similar properties. This amino acid position is conserved. In addition, the in silico prediction for this alteration is inconclusive. Since supporting evidence is limited at this time, the clinical significance of this alteration remains unclear.